The following is an entry in ClinVar:

NM_004006.3(DMD):c.6083T>C (p.Phe2028Ser)

Gene: DMD (dystrophin; minus strand). Cytogenetic location: Xp21.1.
Variant type: single nucleotide variant.
Coding change: c.6083T>C on transcript NM_004006.3 (MANE Select); coding-DNA position 6083, T replaced by C.
Protein change: p.Phe2028Ser; replaces phenylalanine 2028 with serine.
Molecular consequence: missense variant.
Genome position (GRCh38, 1-based): chrX:32,310,116, A>G on the plus strand (T>C on the coding strand, the complement: DMD is on the minus strand). VCF-style: chrX-32310116-A-G. GRCh37 (hg19) VCF-style: chrX-32328233-A-G.
Other names: c.6083T>C (NM_004006.2); c.6059T>C, p.Phe2020Ser (NM_000109.4); c.6071T>C, p.Phe2024Ser (NM_004009.3); c.5714T>C, p.Phe1905Ser (NM_004010.3); c.2060T>C, p.Phe687Ser (NM_004011.4); c.2051T>C, p.Phe684Ser (NM_004012.4); short protein forms F1905S, F2020S, F2024S, F2028S, F684S, F687S.
Identifiers: ClinVar variation 1024200 (VCV001024200.6), dbSNP rs1289456469, ClinGen allele CA412669613.
Genomic context (GRCh38, chrX:32,310,116, plus strand): 5'-TACGAATGAAAGTGCTTTGGTTTTACCTTCAGAGACTCCTCTTGCTTAAAGAGATCTTCA[A>G]AGTCCTTAGCACAGAGGTCAGGAGCATTGAGAAGTTGTTCCACTTCTAATAGGGCTTGTG-3'
Protein context (NP_003997.2, residues 2018-2038): LNAPDLCAKD[Phe2028Ser]EDLFKQEESL

ClinVar aggregate classification (germline): Uncertain significance. Review status: criteria provided, multiple submitters, no conflicts (2 of 4 stars). 3 submissions from 3 submitters: Uncertain significance (2). 1 of the submissions does not count toward it. Last evaluated 2025-07-06.

Conditions:
Cardiomyopathy (CMYO). Also called: Cardiomyopathies. Identifiers: Orphanet 167848, MedGen C0878544, MONDO:0004994, HP:0001638. Inheritance: Various modes of inheritance.
Dystrophin deficiency.
Duchenne muscular dystrophy (DMD). Also called: MUSCULAR DYSTROPHY, PSEUDOHYPERTROPHIC PROGRESSIVE, DUCHENNE TYPE; Duchenne Muscular Dystrophy (DMD). Identifiers: Orphanet 98896, MedGen C0013264, MONDO:0010679, OMIM 310200.
Becker muscular dystrophy (BMD). Also called: Becker Muscular Dystrophy (BMD); MUSCULAR DYSTROPHY, PSEUDOHYPERTROPHIC PROGRESSIVE, BECKER TYPE. Identifiers: Orphanet 98895, MedGen C0917713, MONDO:0010311, OMIM 300376.

Allele frequency attached by ClinVar (database versions not stated): gnomAD exomes 0.00001.
gnomAD v4.1: 9 of 1,209,486 alleles (0.00074%); highest among the groups gnomAD compares: Non-Finnish European, 0.001%; no homozygotes.

Submissions (3):

Labcorp Genetics (formerly Invitae), Labcorp
Classification: Uncertain significance for Duchenne muscular dystrophy. Last evaluated: 2025-07-06. Review status: criteria provided, single submitter. Criteria: Invitae Variant Classification Sherloc (09022015). Collection method: clinical testing. Allele origin: germline.
Comment: This sequence change replaces phenylalanine, which is neutral and non-polar, with serine, which is neutral and polar, at codon 2028 of the DMD protein (p.Phe2028Ser). This variant is present in population databases (no rsID available, gnomAD 0.001%). This variant has not been reported in the literature in individuals affected with DMD-related conditions. ClinVar contains an entry for this variant (Variation ID: 1024200). Invitae Evidence Modeling of protein sequence and biophysical properties (such as structural, functional, and spatial information, amino acid conservation, physicochemical variation, residue mobility, and thermodynamic stability) indicates that this missense variant is not expected to disrupt DMD protein function with a negative predictive value of 95%. In summary, the available evidence is currently insufficient to determine the role of this variant in disease. Therefore, it has been classified as a Variant of Uncertain Significance.

GeneDx
Classification: Uncertain significance. Last evaluated: 2024-01-30. Review status: criteria provided, single submitter. Criteria: GeneDx Variant Classification Process June 2021. Collection method: clinical testing. Allele origin: germline. Affected: yes.
Comment: Has not been previously published as pathogenic or benign to our knowledge; Not observed at significant frequency in large population cohorts (gnomAD); In silico analysis supports that this missense variant has a deleterious effect on protein structure/function

Natera, Inc.
Classification: Uncertain significance for Becker muscular dystrophy; Cardiomyopathy; Duchenne muscular dystrophy; Dystrophin deficiency. Last evaluated: 2020-02-26. Review status: no assertion criteria provided. Collection method: clinical testing. Allele origin: germline. Not counted in ClinVar's aggregate classification.